The following is an entry in ClinVar:

ClinVar aggregate classification (germline): Uncertain significance. Review status: criteria provided, multiple submitters, no conflicts (2 of 4 stars). 2 submissions from 2 submitters: Uncertain significance (2). Last evaluated 2025-08-17.

Allele frequency attached by ClinVar (database versions not stated): ExAC below 0.00001; gnomAD exomes below 0.00001; TOPMed below 0.00001; gnomAD 0.00001.

Submissions (2):

Labcorp Genetics (formerly Invitae), Labcorp
Classification: Uncertain significance. Last evaluated: 2025-08-17. Review status: criteria provided, single submitter. Criteria: Invitae Variant Classification Sherloc (09022015). Collection method: clinical testing. Allele origin: germline.
Comment: This sequence change replaces glutamic acid, which is acidic and polar, with aspartic acid, which is acidic and polar, at codon 204 of the PITPNM3 protein (p.Glu204Asp). This variant is present in population databases (rs766391410, gnomAD 0.01%). This variant has not been reported in the literature in individuals affected with PITPNM3-related conditions. ClinVar contains an entry for this variant (Variation ID: 866761). Invitae Evidence Modeling of protein sequence and biophysical properties (such as structural, functional, and spatial information, amino acid conservation, physicochemical variation, residue mobility, and thermodynamic stability) indicates that this missense variant is not expected to disrupt PITPNM3 protein function with a negative predictive value of 80%. In summary, the available evidence is currently insufficient to determine the role of this variant in disease. Therefore, it has been classified as a Variant of Uncertain Significance.

Blueprint Genetics
Classification: Uncertain significance. Last evaluated: 2022-08-19. Review status: criteria provided, single submitter. Criteria: ACMG Guidelines, 2015. Collection method: clinical testing. Allele origin: germline.

NM_031220.4(PITPNM3):c.612G>C (p.Glu204Asp)

Gene: PITPNM3 (PITPNM family member 3; minus strand). Cytogenetic location: 17p13.2.
Variant type: single nucleotide variant.
Coding change: c.612G>C on transcript NM_031220.4 (MANE Select); coding-DNA position 612, G replaced by C.
Protein change: p.Glu204Asp; replaces glutamic acid 204 with aspartic acid.
Molecular consequence: missense variant.
Genome position (GRCh38, 1-based): chr17:6,478,712, C>G on the plus strand (G>C on the coding strand, the complement: PITPNM3 is on the minus strand). VCF-style: chr17-6478712-C-G. GRCh37 (hg19) VCF-style: chr17-6382032-C-G.
Other names: c.504G>C, p.Glu168Asp (NM_001165966.2); short protein forms E168D, E204D.
Identifiers: ClinVar variation 866761 (VCV000866761.4), dbSNP rs766391410, ClinGen allele CA8329778.
Genomic context (GRCh38, chr17:6,478,712, plus strand): 5'-GATGGCCAACAGGGGAAGGGCGGCCAGAGGGACGTGGTCCTGGCTGCTGCTGAGGCAGCC[C>G]TCATCGTGGCTGTAGGGGTTCAGGCTGCAGACAGGGGGCCCAAGGTGAGCCCAGCCAGGA-3'
Protein context (NP_112497.2, residues 194-214): VSHLNPYSHD[Glu204Asp]GCLSSSQDHV